The following is an entry in ClinVar:

NM_152393.4(KLHL40):c.785A>T (p.Glu262Val)

Gene: KLHL40 (kelch like family member 40; plus strand). Cytogenetic location: 3p22.1.
Variant type: single nucleotide variant.
Coding change: c.785A>T on transcript NM_152393.4 (MANE Select); coding-DNA position 785, A replaced by T.
Protein change: p.Glu262Val; replaces glutamic acid 262 with valine.
Molecular consequence: missense variant.
Genome position (GRCh38, 1-based): chr3:42,686,403, A>T. VCF-style: chr3-42686403-A-T. GRCh37 (hg19) VCF-style: chr3-42727895-A-T.
Other names: short protein forms E262V.
Identifiers: ClinVar variation 1391221 (VCV001391221.6), dbSNP rs2125844806, ClinGen allele CA352290937.

ClinVar aggregate classification (germline): Uncertain significance (1 of 4 stars; one submission).

Conditions:
Nemaline myopathy 8 (NEM8). Also called: Nemaline myopathy 8, autosomal recessive. Identifiers: Orphanet 171430, MedGen C3809209, MONDO:0014138, OMIM 615348.

Allele frequency attached by ClinVar (database versions not stated): gnomAD exomes below 0.00001.

Submission:

Labcorp Genetics (formerly Invitae), Labcorp
Classification: Uncertain significance for Nemaline myopathy 8. Last evaluated: 2021-11-05. Review status: criteria provided, single submitter. Criteria: Invitae Variant Classification Sherloc (09022015). Collection method: clinical testing. Allele origin: germline.
Comment: This sequence change replaces glutamic acid, which is acidic and polar, with valine, which is neutral and non-polar, at codon 262 of the KLHL40 protein (p.Glu262Val). This variant is not present in population databases (gnomAD no frequency). This variant has not been reported in the literature in individuals affected with KLHL40-related conditions. Algorithms developed to predict the effect of missense changes on protein structure and function are either unavailable or do not agree on the potential impact of this missense change (SIFT: "Deleterious"; PolyPhen-2: "Benign"; Align-GVGD: "Class C35"). Algorithms developed to predict the effect of sequence changes on RNA splicing suggest that this variant may create or strengthen a splice site. In summary, the available evidence is currently insufficient to determine the role of this variant in disease. Therefore, it has been classified as a Variant of Uncertain Significance.